The following is an entry in ClinVar:

NM_001365951.3(KIF1B):c.4066C>A (p.Arg1356Ser)

Gene: KIF1B (kinesin family member 1B; plus strand). Cytogenetic location: 1p36.22.
Variant type: single nucleotide variant.
Coding change: c.4066C>A on transcript NM_001365951.3 (MANE Select); coding-DNA position 4066, C replaced by A.
Protein change: p.Arg1356Ser; replaces arginine 1356 with serine.
Molecular consequence: missense variant.
Genome position (GRCh38, 1-based): chr1:10,360,939, C>A. VCF-style: chr1-10360939-C-A. GRCh37 (hg19) VCF-style: chr1-10420997-C-A.
Other names: c.4066C>A, p.Arg1356Ser (NM_001365952.1); c.3928C>A, p.Arg1310Ser (NM_015074.3); short protein forms R1310S, R1356S.
Identifiers: ClinVar variation 3288420 (VCV003288420.1).
Genomic context (GRCh38, chr1:10,360,939, plus strand): 5'-CGTGACTTTAGCTTCTTTTGGATGATTCCCTCTTGTCTTTCTGACCTTAGGACCTTCTAC[C>A]GCTTTGAGGCTGTGTGGGATAGCTCTCTGCATAACTCCCTTCTTCTGAACCGAGTGACAC-3'
Protein context (NP_001352880.1, residues 1346-1366): SSHNSSRTFY[Arg1356Ser]FEAVWDSSLH

ClinVar aggregate classification (germline): Uncertain significance (1 of 4 stars; one submission).

Submission:

Ambry Genetics
Classification: Uncertain significance. Last evaluated: 2024-04-11. Review status: criteria provided, single submitter. Criteria: Ambry Variant Classification Scheme 2023. Collection method: clinical testing. Allele origin: germline.
Comment: The p.R1310S variant (also known as c.3928C>A), located in coding exon 36 of the KIF1B gene, results from a C to A substitution at nucleotide position 3928. The arginine at codon 1310 is replaced by serine, an amino acid with dissimilar properties. This amino acid position is conserved. In addition, this alteration is predicted to be deleterious by in silico analysis. Based on the available evidence, the clinical significance of this variant remains unclear.